The following is an entry in ClinVar:

NM_024537.4(CARS2):c.662C>G (p.Ser221Cys)

Gene: CARS2 (cysteinyl-tRNA synthetase 2, mitochondrial; minus strand). Cytogenetic location: 13q34.
Variant type: single nucleotide variant.
Coding change: c.662C>G on transcript NM_024537.4 (MANE Select); coding-DNA position 662, C replaced by G.
Protein change: p.Ser221Cys; replaces serine 221 with cysteine.
Molecular consequence: missense variant. On other transcripts: 5 prime UTR variant (1), non-coding transcript variant (2).
Genome position (GRCh38, 1-based): chr13:110,677,097, G>C on the plus strand (C>G on the coding strand, the complement: CARS2 is on the minus strand). VCF-style: chr13-110677097-G-C. GRCh37 (hg19) VCF-style: chr13-111329444-G-C.
Other names: c.-125C>G (NM_001352252.2); c.662C>G, p.Ser221Cys (NM_001352253.3); short protein forms S221C.
Identifiers: ClinVar variation 960449 (VCV000960449.9), dbSNP rs201064390, ClinGen allele CA256306385.

ClinVar aggregate classification (germline): Uncertain significance (1 of 4 stars; one submission).

Conditions:
Combined oxidative phosphorylation defect type 27. Also called: Combined oxidative phosphorylation deficiency 27. Identifiers: Orphanet 477774, MedGen C5567608, MONDO:0014728, OMIM 616672.

Allele frequency attached by ClinVar (database versions not stated): gnomAD exomes below 0.00001 and 0.00001; gnomAD 0.00001; 1000 Genomes Project 30x 0.00016; 1000 Genomes Project 0.00020.
gnomAD v4.1: 2 of 1,606,630 alleles (0.00012%); highest among the groups gnomAD compares: Non-Finnish European, 0.00017%; no homozygotes.

Submission:

Labcorp Genetics (formerly Invitae), Labcorp
Classification: Uncertain significance for Combined oxidative phosphorylation defect type 27. Last evaluated: 2022-04-07. Review status: criteria provided, single submitter. Criteria: Invitae Variant Classification Sherloc (09022015). Collection method: clinical testing. Allele origin: germline.
Comment: This variant has not been reported in the literature in individuals affected with CARS2-related conditions. The frequency data for this variant in the population databases is considered unreliable, as metrics indicate poor data quality at this position in the gnomAD database. This sequence change replaces serine, which is neutral and polar, with cysteine, which is neutral and slightly polar, at codon 221 of the CARS2 protein (p.Ser221Cys). ClinVar contains an entry for this variant (Variation ID: 960449). In summary, the available evidence is currently insufficient to determine the role of this variant in disease. Therefore, it has been classified as a Variant of Uncertain Significance. Algorithms developed to predict the effect of missense changes on protein structure and function are either unavailable or do not agree on the potential impact of this missense change (SIFT: "Deleterious"; PolyPhen-2: "Probably Damaging"; Align-GVGD: "Class C0").